The following is an entry in ClinVar:

ClinVar aggregate classification (germline): Likely pathogenic (1 of 4 stars; one submission).

Conditions:
Menkes kinky-hair syndrome (MNK). Also called: Copper transport disease; Classic Menkes Disease; Menkes Disease. Identifiers: Orphanet 565, MedGen C0022716, MONDO:0010651, OMIM 309400.

Submission:

Myriad Genetics, Inc.
Classification: Likely pathogenic for Menkes kinky-hair syndrome. Last evaluated: 2021-12-31. Review status: criteria provided, single submitter. Criteria: Myriad Autosomal Dominant, Autosomal Recessive and X-Linked Classification Criteria (2023). Collection method: clinical testing. Allele origin: unknown.
Comment: NM_000052.5(ATP7A):c.3289A>T(K1097*) is expected to be pathogenic in the context of ATP7A-related disorders. This variant is predicted to lead to an abnormal or absent protein product due to the creation of a premature termination codon in ATP7A, a gene where loss-of-function variants are known to be pathogenic. Please note: this variant was assessed in the context of healthy population screening.

NM_000052.7(ATP7A):c.3289A>T (p.Lys1097Ter)

Gene: ATP7A (ATPase copper transporting alpha; plus strand). Cytogenetic location: Xq21.1.
Variant type: single nucleotide variant.
Coding change: c.3289A>T on transcript NM_000052.7 (MANE Select); coding-DNA position 3289, A replaced by T.
Protein change: p.Lys1097Ter; replaces lysine 1097 with a stop codon.
Molecular consequence: nonsense. On other transcripts: non-coding transcript variant (1).
Genome position (GRCh38, 1-based): chrX:78,031,577, A>T. VCF-style: chrX-78031577-A-T. GRCh37 (hg19) VCF-style: chrX-77287075-A-T.
Other names: c.3055A>T, p.Lys1019Ter (NM_001282224.2); short protein forms K1019*, K1097*.
Identifiers: ClinVar variation 1726752 (VCV001726752.3), dbSNP rs1557237081, ClinGen allele CA413603815.